The following is an entry in ClinVar:

ClinVar aggregate classification (germline): Benign/Likely benign. Review status: criteria provided, multiple submitters, no conflicts (2 of 4 stars). 3 submissions from 3 submitters: Benign (1); Likely benign (2). Last evaluated 2024-06-25.

Conditions:
Hereditary cancer-predisposing syndrome. Also called: Hereditary neoplastic syndrome; Hereditary Cancer Syndrome; Tumor predisposition; Neoplastic Syndromes, Hereditary. Identifiers: Orphanet 140162, MedGen C0027672, MeSH D009386, MONDO:0015356.
Oligodontia-cancer predisposition syndrome. Also called: TOOTH AGENESIS-COLORECTAL CANCER SYNDROME. Identifiers: Orphanet 300576, MedGen C1837750, MONDO:0012075, OMIM 608615. Disease mechanism: loss of function.

Submissions (3):

Myriad Genetics, Inc.
Classification: Benign for Oligodontia-cancer predisposition syndrome. Last evaluated: 2024-06-25. Review status: criteria provided, single submitter. Criteria: Myriad Autosomal Dominant, Autosomal Recessive and X-Linked Classification Criteria (2023). Collection method: clinical testing. Allele origin: unknown.
Comment: This variant is considered benign. This variant is a silent/synonymous amino acid change and it is not expected to impact splicing.

Labcorp Genetics (formerly Invitae), Labcorp
Classification: Likely benign for Oligodontia-cancer predisposition syndrome. Last evaluated: 2024-03-18. Review status: criteria provided, single submitter. Criteria: Invitae Variant Classification Sherloc (09022015). Collection method: clinical testing. Allele origin: germline.

Ambry Genetics
Classification: Likely benign for Hereditary cancer-predisposing syndrome. Last evaluated: 2021-10-27. Review status: criteria provided, single submitter. Criteria: Ambry Variant Classification Scheme 2023. Collection method: clinical testing. Allele origin: germline.

NM_004655.4(AXIN2):c.63C>T (p.Ala21=)

Gene: AXIN2 (axin 2; minus strand). Cytogenetic location: 17q24.1.
Variant type: single nucleotide variant.
Coding change: c.63C>T on transcript NM_004655.4 (MANE Select); coding-DNA position 63, C replaced by T.
Protein change: p.Ala21=; no amino-acid change (alanine 21 retained).
Molecular consequence: synonymous variant.
Genome position (GRCh38, 1-based): chr17:65,558,558, G>A on the plus strand (C>T on the coding strand, the complement: AXIN2 is on the minus strand). VCF-style: chr17-65558558-G-A. GRCh37 (hg19) VCF-style: chr17-63554676-G-A.
Other names: c.63C>T, p.Ala21= (NM_001363813.1).
Identifiers: ClinVar variation 1138075 (VCV001138075.12), dbSNP rs2144591737, ClinGen allele CA501691677.